The following is an entry in ClinVar:

ClinVar aggregate classification (germline): Likely benign. Review status: criteria provided, multiple submitters, no conflicts (2 of 4 stars). 3 submissions from 3 submitters: Likely benign (3). Last evaluated 2026-09-01.

Conditions:
Fanconi anemia (FA). Also called: Fanconi's anemia. Identifiers: Orphanet 84, MedGen C0015625, MeSH D005199, MONDO:0019391.

Allele frequency attached by ClinVar (database versions not stated): gnomAD 0.00005; gnomAD exomes 0.00005 and 0.00006; ExAC 0.00006; ESP Exome Variant Server 0.00008; TOPMed 0.00008.
gnomAD v4.1: 91 of 1,613,858 alleles (0.0056%); highest among the groups gnomAD compares: Middle Eastern, 0.049%; no homozygotes.

Submissions (3):

CeGaT Center for Human Genetics Tuebingen
Classification: Likely benign. Last evaluated: 2026-09-01. Review status: criteria provided, single submitter. Criteria: CeGaT Center For Human Genetics Tuebingen Variant Classification Criteria Version 2. Collection method: clinical testing. Allele origin: germline. Affected: yes. Observed: 2 variant alleles.
Comment: SLX4: BP4, BP7

Labcorp Genetics (formerly Invitae), Labcorp
Classification: Likely benign for Fanconi anemia. Last evaluated: 2026-01-07. Review status: criteria provided, single submitter. Criteria: Invitae Variant Classification Sherloc (09022015). Collection method: clinical testing. Allele origin: germline.

Blueprint Genetics
Classification: Likely benign. Last evaluated: 2024-08-06. Review status: criteria provided, single submitter. Criteria: ACMG Guidelines, 2015. Collection method: clinical testing. Allele origin: germline.

NM_032444.4(SLX4):c.4716G>A (p.Pro1572=)

Gene: SLX4 (SLX4 structure-specific endonuclease subunit; minus strand). Cytogenetic location: 16p13.3.
Variant type: single nucleotide variant.
Coding change: c.4716G>A on transcript NM_032444.4 (MANE Select); coding-DNA position 4716, G replaced by A.
Protein change: p.Pro1572=; no amino-acid change (proline 1572 retained).
Molecular consequence: synonymous variant.
Genome position (GRCh38, 1-based): chr16:3,584,792, C>T on the plus strand (G>A on the coding strand, the complement: SLX4 is on the minus strand). VCF-style: chr16-3584792-C-T. GRCh37 (hg19) VCF-style: chr16-3634793-C-T.
Other names: c.4716G>A (LRG_503t1).
Identifiers: ClinVar variation 526440 (VCV000526440.25), dbSNP rs372472816, ClinGen allele CA7865540.
Genomic context (GRCh38, chr16:3,584,792, plus strand): 5'-AGACCACTGTGGGCAACAAGCTTTGAAGACCGCCAACCTATCCAGTTCCTTCTTCAGCAC[C>T]GGCGTCTCCATAATGGAATACTGTGGCATCGGCGTTATGGGCACTTTGGGGGGCAAGTTC-3'
Protein context (NP_115820.2, residues 1562-1582): PMPQYSIMET[Pro1572=]VLKKELDRFG